The following is an entry in ClinVar:

NM_001040142.2(SCN2A):c.1506A>T (p.Lys502Asn)

Gene: SCN2A (sodium voltage-gated channel alpha subunit 2; plus strand). Cytogenetic location: 2q24.3.
Variant type: single nucleotide variant.
Coding change: c.1506A>T on transcript NM_001040142.2 (MANE Select); coding-DNA position 1506, A replaced by T.
Protein change: p.Lys502Asn; replaces lysine 502 with asparagine.
Molecular consequence: missense variant.
Genome position (GRCh38, 1-based): chr2:165,315,593, A>T. VCF-style: chr2-165315593-A-T. GRCh37 (hg19) VCF-style: chr2-166172103-A-T.
Other names: c.1506A>T, p.Lys502Asn (NM_001040143.2, NM_001371246.1, NM_001371247.1 and 1 more transcripts); short protein forms K502N.
Identifiers: ClinVar variation 3372860 (VCV003372860.1).
Genomic context (GRCh38, chr2:165,315,593, plus strand): 5'-TTTTTCAGAGAGTTCTTCAGTAGCATCTAAGTTGAGCTCCAAAAGTGAAAAAGAGCTGAA[A>T]AACAGAAGAAAGAAAAAGAAACAGAAAGAACAGTCTGGAGAAGAAGAGAAAAATGACAGA-3'
Protein context (NP_001035232.1, residues 492-512): KLSSKSEKEL[Lys502Asn]NRRKKKKQKE

ClinVar aggregate classification (germline): Uncertain significance (1 of 4 stars; one submission).

Submission:

GeneDx
Classification: Uncertain significance. Last evaluated: 2024-04-29. Review status: criteria provided, single submitter. Criteria: GeneDx Variant Classification Process June 2021. Collection method: clinical testing. Allele origin: germline. Affected: yes.
Comment: Not observed at significant frequency in large population cohorts (gnomAD); In silico analysis indicates that this missense variant does not alter protein structure/function; Has not been previously published as pathogenic or benign to our knowledge; This substitution is predicted to be in the cytoplasmic loop between the first and second homologous domains